The following is an entry in ClinVar:

ClinVar aggregate classification (germline): Uncertain significance (1 of 4 stars; one submission).

Conditions:
Congenital disorder of glycosylation (CDG). Also called: Congenital disorders of glycosylation; Carbohydrate-deficient glycoprotein syndrome. Identifiers: Orphanet 137, MedGen C0282577, MONDO:0015286.

Submission:

Labcorp Genetics (formerly Invitae), Labcorp
Classification: Uncertain significance for Congenital disorder of glycosylation. Last evaluated: 2018-08-08. Review status: criteria provided, single submitter. Criteria: Invitae Variant Classification Sherloc (09022015). Collection method: clinical testing. Allele origin: germline.
Comment: In summary, the available evidence is currently insufficient to determine the role of this variant in disease. Therefore, it has been classified as a Variant of Uncertain Significance. Algorithms developed to predict the effect of missense changes on protein structure and function are either unavailable or do not agree on the potential impact of this missense change (SIFT: "Deleterious"; PolyPhen-2: "Probably Damaging"; Align-GVGD: "Class C0"). This variant has not been reported in the literature in individuals with RPN2-related disease. This variant is not present in population databases (ExAC no frequency). This sequence change replaces leucine with methionine at codon 553 of the RPN2 protein (p.Leu553Met). The leucine residue is highly conserved and there is a small physicochemical difference between leucine and methionine.

NM_002951.5(RPN2):c.1656_1657delinsCA (p.Leu553Met)

Gene: RPN2 (ribophorin II; plus strand). Cytogenetic location: 20q11.23.
Variant type: Indel.
Coding change: c.1656_1657delinsCA on transcript NM_002951.5 (MANE Select); coding-DNA positions 1656 to 1657, GT replaced by CA.
Protein change: p.Leu553Met; replaces leucine 553 with methionine.
Molecular consequence: missense variant. On other transcripts: intron variant (2).
Genome position (GRCh38, 1-based): chr20:37,232,370-37,232,371, GT replaced by CA. VCF-style: chr20-37232370-GT-CA. GRCh37 (hg19) VCF-style: chr20-35860773-GT-CA.
Other names: c.1560_1561delinsCA, p.Leu521Met (NM_001135771.3); c.1704_1705delinsCA, p.Leu569Met (NM_001324301.2, NM_001324305.2); c.1656_1657delinsCA, p.Leu553Met (NM_001324303.2, NM_001324304.2); c.1185_1186delinsCA, p.Leu396Met (NM_001324306.2); c.1582-1650_1582-1649delinsCA (NM_001324299.2, NM_001324302.2); short protein forms L569M, L553M, L521M, L396M.
Identifiers: ClinVar variation 665794 (VCV000665794.7), dbSNP rs1600843838, ClinGen allele CA915953147.